The following is an entry in ClinVar:

ClinVar aggregate classification (germline): Conflicting classifications of pathogenicity. Review status: criteria provided, conflicting classifications (1 of 4 stars). 2 submissions from 2 submitters: Uncertain significance (1); Benign (1). Last evaluated 2025-04-16.

Conditions:
RAI1-related disorder. Also called: RAI1-related condition.

Allele frequency attached by ClinVar (database versions not stated): gnomAD exomes below 0.00001; gnomAD 0.00001; TOPMed 0.00001.
gnomAD v4.1: 6 of 1,613,240 alleles (0.00037%); highest among the groups gnomAD compares: African/African-American, 0.0013%; no homozygotes.

Submissions (2):

PreventionGenetics, part of Exact Sciences
Classification: Uncertain significance for RAI1-related condition. Last evaluated: 2025-04-16. Review status: criteria provided, single submitter. Criteria: ACMG Guidelines, 2015. Collection method: clinical testing. Allele origin: germline.
Comment: The RAI1 c.4519G>C variant is predicted to result in the amino acid substitution p.Ala1507Pro. To our knowledge, this variant has not been reported in the literature or in a large population database (gnomAD), indicating this variant is rare. At this time, the clinical significance of this variant is uncertain due to the absence of conclusive functional and genetic evidence.

Labcorp Genetics (formerly Invitae), Labcorp
Classification: Benign. Last evaluated: 2022-08-16. Review status: criteria provided, single submitter. Criteria: Invitae Variant Classification Sherloc (09022015). Collection method: clinical testing. Allele origin: germline.

NM_030665.4(RAI1):c.4519G>C (p.Ala1507Pro)

Gene: RAI1 (retinoic acid induced 1; plus strand). Cytogenetic location: 17p11.2.
Variant type: single nucleotide variant.
Coding change: c.4519G>C on transcript NM_030665.4 (MANE Select); coding-DNA position 4519, G replaced by C.
Protein change: p.Ala1507Pro; replaces alanine 1507 with proline.
Molecular consequence: missense variant.
Genome position (GRCh38, 1-based): chr17:17,797,467, G>C. VCF-style: chr17-17797467-G-C. GRCh37 (hg19) VCF-style: chr17-17700781-G-C.
Other names: c.4519G>C (NM_030665.3); short protein forms A1507P.
Identifiers: ClinVar variation 1438024 (VCV001438024.7), dbSNP rs1314444007, ClinGen allele CA398556773.